The following is an entry in ClinVar:

NM_001040716.2(PC):c.2232C>T (p.Ala744=)

Gene: PC (pyruvate carboxylase; minus strand). Cytogenetic location: 11q13.2.
Variant type: single nucleotide variant.
Coding change: c.2232C>T on transcript NM_001040716.2 (MANE Select); coding-DNA position 2232, C replaced by T.
Protein change: p.Ala744=; no amino-acid change (alanine 744 retained).
Molecular consequence: synonymous variant.
Genome position (GRCh38, 1-based): chr11:66,850,915, G>A on the plus strand (C>T on the coding strand, the complement: PC is on the minus strand). VCF-style: chr11-66850915-G-A. GRCh37 (hg19) VCF-style: chr11-66618386-G-A.
Other names: p.Ala744=; c.2232C>T, p.Ala744= (NM_000920.4, NM_022172.3).
Identifiers: ClinVar variation 723558 (VCV000723558.11), dbSNP rs763631086, ClinGen allele CA6131117.

ClinVar aggregate classification (germline): Likely benign. Review status: criteria provided, multiple submitters, no conflicts (2 of 4 stars). 2 submissions from 2 submitters: Likely benign (2). Last evaluated 2025-11-12.

Conditions:
Pyruvate carboxylase deficiency. Also called: Pyruvate Carboxylase Deficiency Disease; LEIGH NECROTIZING ENCEPHALOPATHY DUE TO PYRUVATE CARBOXYLASE DEFICIENCY; LEIGH SYNDROME DUE TO PYRUVATE CARBOXYLASE DEFICIENCY; PC DEFICIENCY; ATAXIA WITH LACTIC ACIDOSIS II. Identifiers: Orphanet 3008, MedGen C0034341, MONDO:0009949, OMIM 266150.

Allele frequency attached by ClinVar (database versions not stated): gnomAD below 0.00001 and 0.00002; TOPMed 0.00001; gnomAD exomes 0.00007; ExAC 0.00008.
gnomAD v4.1: 76 of 1,608,864 alleles (0.0047%); highest among the groups gnomAD compares: Middle Eastern, 0.16%; 1 homozygote.

Submissions (2):

Labcorp Genetics (formerly Invitae), Labcorp
Classification: Likely benign for Pyruvate carboxylase deficiency. Last evaluated: 2025-11-12. Review status: criteria provided, single submitter. Criteria: Invitae Variant Classification Sherloc (09022015). Collection method: clinical testing. Allele origin: germline.

Mayo Clinic Laboratories, Mayo Clinic
Classification: Likely benign. Last evaluated: 2025-04-02. Review status: criteria provided, single submitter. Criteria: ACMG Guidelines, 2015. Collection method: clinical testing. Allele origin: germline. Observed: 1 variant allele.
Comment: BP4, BP7